The following is an entry in ClinVar:

ClinVar aggregate classification (germline): Pathogenic/Likely pathogenic. Review status: criteria provided, multiple submitters, no conflicts (2 of 4 stars). 10 submissions from 10 submitters: Pathogenic (5); Likely pathogenic (5). Last evaluated 2025-10-27.

Conditions:
Lynch syndrome. Identifiers: Orphanet 144, MedGen C4552100, MONDO:0005835. Disease mechanism: loss of function.
Hereditary nonpolyposis colon cancer (HNPCC). Also called: Hereditary Nonpolyposis Colorectal Cancer Syndrome; Hereditary nonpolyposis colorectal cancer; Familial nonpolyposis colon cancer. Identifiers: Orphanet 443909, MedGen C1333990, MONDO:0018630. Disease mechanism: loss of function.
Hereditary cancer-predisposing syndrome. Also called: Hereditary neoplastic syndrome; Tumor predisposition; Hereditary Cancer Syndrome; Neoplastic Syndromes, Hereditary. Identifiers: Orphanet 140162, MedGen C0027672, MeSH D009386, MONDO:0015356.
Lynch syndrome 4 (LYNCH4). Also called: Colorectal cancer, hereditary nonpolyposis, type 4; Hereditary non-polyposis colorectal cancer, type 4. Identifiers: Orphanet 144, MedGen C1838333, MONDO:0013699, OMIM 614337. Disease mechanism: loss of function.
Hereditary nonpolyposis colorectal neoplasms. Identifiers: MedGen C0009405, MeSH D003123.

Allele frequency attached by ClinVar (database versions not stated): ExAC 0.00001; gnomAD exomes below 0.00001.

Submissions (10):

Labcorp Genetics (formerly Invitae), Labcorp
Classification: Pathogenic for Hereditary nonpolyposis colorectal neoplasms. Last evaluated: 2025-10-27. Review status: criteria provided, single submitter. Criteria: Invitae Variant Classification Sherloc (09022015). Collection method: clinical testing. Allele origin: germline.
Comment: This sequence change affects a donor splice site in intron 4 of the PMS2 gene. RNA analysis indicates that disruption of this splice site induces altered splicing and may result in an absent or altered protein product. This variant is present in population databases (rs111466480, gnomAD 0.003%). Disruption of this splice site has been observed in individual(s) with hyperdiploid acute lymphoblastic leukemia (PMID: 31102422). ClinVar contains an entry for this variant (Variation ID: 411055). Studies have shown that disruption of this splice site results in skipping of exon 4 and activation of a cryptic splice site, and produces a non-functional protein and/or introduces a premature termination codon (internal data). For these reasons, this variant has been classified as Pathogenic.

Laboratorio de I+D, Fundación Centro Médico de Asturias
Classification: Likely pathogenic for Hereditary nonpolyposis colon cancer. Last evaluated: 2025-07-13. Review status: criteria provided, single submitter. Criteria: ACMG Guidelines, 2015. Collection method: clinical testing. Allele origin: germline. Affected: yes.
Comment: PVS1+PM2_Supporting

GeneDx
Classification: Pathogenic. Last evaluated: 2025-06-08. Review status: criteria provided, single submitter. Criteria: GeneDx Variant Classification Process June 2021. Collection method: clinical testing. Allele origin: germline.
Comment: Canonical splice site variant predicted to result in a null allele in a gene for which loss of function is a known mechanism of disease; Not observed at significant frequency in large population cohorts (gnomAD); Has not been previously published as pathogenic or benign to our knowledge; This variant is associated with the following publications: (PMID: 31589614, 29922827, 31102422)

Women's Health and Genetics/Laboratory Corporation of America, LabCorp
Classification: Likely pathogenic for Hereditary nonpolyposis colon cancer. Last evaluated: 2025-04-15. Review status: criteria provided, single submitter. Criteria: LabCorp Variant Classification Summary - May 2015. Collection method: clinical testing. Allele origin: germline.
Comment: Variant summary: PMS2 c.353+2T>C is located in a canonical splice-site and is predicted to affect mRNA splicing resulting in a significantly altered protein due to either exon skipping, shortening, or inclusion of intronic material. Variants that disrupt the consensus splice site are a relatively common cause of aberrant splicing and loss of PMS2 function. Several computational tools predict a significant impact on normal splicing: Three predict the variant abolishes a 5' splicing donor site. However, these predictions have yet to be confirmed by functional studies. The variant allele was found at a frequency of 4.3e-06 in 234736 control chromosomes (gnomAD). The variant, c.353+2T>C, has been observed as a putative germline (apparently homozygous) variant in an individual affected with hyperdiploid acute lymphoblastic leukemia (de Smith_2019). In addition, the variant has also been reported in individuals affected with Lynch syndrome-associated tumors (ClinVar accessions: SCV001182031, SCV002774372). To our knowledge, no experimental evidence demonstrating an impact on protein function has been reported. The following publication has been ascertained in the context of this evaluation (PMID: 31102422). ClinVar contains an entry for this variant (Variation ID: 411055). Based on the evidence outlined above, the variant was classified as likely pathogenic.

Ambry Genetics
Classification: Pathogenic for Hereditary cancer-predisposing syndrome. Last evaluated: 2025-01-30. Review status: criteria provided, single submitter. Criteria: Ambry Variant Classification Scheme 2023. Collection method: clinical testing. Allele origin: germline.
Comment: The c.353+2T>C intronic pathogenic variant results from a T to C substitution two nucleotides after coding exon 4 in the PMS2 gene. This alteration has been detected in individuals whose Lynch syndrome-related tumor demonstrated isolated loss of PMS2 expression on immunohistochemistry (Ambry internal data). This alteration was identified in one control and none of 3030 pancreatic cancer patients undergoing multigene panel testing for hereditary cancer risk (Hu C et al. JAMA. 2018 06;319:2401-2409). This nucleotide position is highly conserved in available vertebrate species. In silico splice site analysis predicts that this alteration will weaken the native splice donor site. RNA studies have demonstrated that this alteration results in abnormal splicing in the set of samples tested (Ambry internal data). Alterations that disrupt the canonical splice site are expected to cause aberrant splicing, resulting in an abnormal protein or a transcript that is subject to nonsense-mediated mRNA decay. Based on the supporting evidence, this variant is interpreted as a disease-causing mutation.

All of Us Research Program, National Institutes of Health
Classification: Likely pathogenic for Lynch syndrome. Last evaluated: 2024-05-10. Review status: criteria provided, single submitter. Criteria: ACMG Guidelines, 2015. Collection method: clinical testing. Allele origin: germline. Inheritance: Autosomal dominant inheritance. Observed: 2 variant alleles, 2 heterozygotes.
Comment: This variant causes a T to C nucleotide substitution at the +2 position of intron 4 of the PMS2 gene. Splice site prediction tools predict that this variant weakens the canonical donor site at exon 4 and may have a significant impact on RNA splicing. Although this prediction has not been confirmed in published RNA studies, this variant is expected to result in an absent or disrupted protein product. This variant has been reported in an individual affected with a Lynch syndrome-associated cancer (ClinVar SCV001182031.3). This variant has been identified in 1/234736 chromosomes in the general population by the Genome Aggregation Database (gnomAD). Loss of PMS2 function is a known mechanism of disease. Based on the available evidence, this variant is classified as Likely Pathogenic.

This study involves interpretation of variants in research participants for the purpose of population health screening. Participant phenotype was not available at the time of variant classification. Additional details can be found in publication PMID: 35346344, PMCID: PMC8962531

Myriad Genetics, Inc.
Classification: Likely pathogenic for Lynch syndrome 4. Last evaluated: 2023-09-18. Review status: criteria provided, single submitter. Criteria: Myriad Autosomal Dominant, Autosomal Recessive and X-Linked Classification Criteria (2023). Collection method: clinical testing. Allele origin: unknown.
Comment: This variant is considered likely pathogenic. This variant occurs within a consensus splice junction and is predicted to result in abnormal mRNA splicing of either an out-of-frame exon or an in-frame exon necessary for protein stability and/or normal function.

Color Diagnostics, LLC DBA Color Health
Classification: Likely pathogenic for Hereditary cancer-predisposing syndrome. Last evaluated: 2023-06-07. Review status: criteria provided, single submitter. Criteria: ACMG Guidelines, 2015. Collection method: clinical testing. Allele origin: germline.
Comment: This variant causes a T to C nucleotide substitution at the +2 position of intron 4 of the PMS2 gene. Splice site prediction tools predict that this variant weakens the canonical donor site at exon 4 and may have a significant impact on RNA splicing. Although this prediction has not been confirmed in published RNA studies, this variant is expected to result in an absent or disrupted protein product. This variant has been reported in an individual affected with a Lynch syndrome-associated cancer (ClinVar SCV001182031.3). This variant has been identified in 1/234736 chromosomes in the general population by the Genome Aggregation Database (gnomAD). Loss of PMS2 function is a known mechanism of disease. Based on the available evidence, this variant is classified as Likely Pathogenic.

Quest Diagnostics Nichols Institute San Juan Capistrano
Classification: Pathogenic. Last evaluated: 2022-09-07. Review status: criteria provided, single submitter. Criteria: Quest Diagnostics criteria. Collection method: clinical testing. Allele origin: unknown.
Comment: This variant disrupts a canonical splice-donor site and interferes with normal PMS2 mRNA splicing. The frequency of this variant in the general population, 0.0000043 (1/234736 chromosomes), is consistent with pathogenicity. In the published literature, this variant has been reported in an individual with high hyperdiploidy-acute lymphoblastic leukemia (HD-ALL) (PMID: 31102422 (2019)). Based on the available information, this variant is classified as pathogenic.

Revvity Omics, Revvity
Classification: Pathogenic. Last evaluated: 2019-01-28. Review status: criteria provided, single submitter. Criteria: ACMG Guidelines, 2015. Collection method: clinical testing. Allele origin: germline.

Literature cited by the submitters: PubMed 31102422 (cited by 4 submitters); PubMed 29922827 (cited by Ambry Genetics and Quest Diagnostics Nichols Institute San Juan Capistrano).

NM_000535.7(PMS2):c.353+2T>C

Gene: PMS2 (PMS1 homolog 2, mismatch repair system component; minus strand). Cytogenetic location: 7p22.1.
Variant type: single nucleotide variant.
Coding change: c.353+2T>C on transcript NM_000535.7 (MANE Select); the canonical splice donor site of the intron after coding-DNA position 353, T replaced by C.
Molecular consequence: splice donor variant. On other transcripts: intron variant (22).
Genome position (GRCh38, 1-based): chr7:6,003,688, A>G on the plus strand (T>C on the coding strand, the complement: PMS2 is on the minus strand). VCF-style: chr7-6003688-A-G. GRCh37 (hg19) VCF-style: chr7-6043319-A-G.
Other names: c.353+2T>C (NM_001406912.1, NM_001322006.2, NM_001406870.1 and 8 more transcripts); c.-132+2T>C (NM_001406878.1, NM_001406882.1, NM_001406875.1 and 3 more transcripts); c.377+2T>C (NM_001406868.1); c.-53+2T>C (NM_001406891.1, NM_001406893.1, NM_001406898.1 and 13 more transcripts); c.-53+55T>C (NM_001406899.1, NM_001406894.1, NM_001406895.1 and 6 more transcripts); c.539+2T>C (NM_001406866.1); c.35+284T>C (NM_001322008.2, NM_001406902.1, NM_001406883.1 and 4 more transcripts); c.-132+284T>C (NM_001406881.1, NM_001406900.1); and 5 more.
Identifiers: ClinVar variation 411055 (VCV000411055.32), dbSNP rs111466480, ClinGen allele CA049344.